The following is an entry in ClinVar:

NM_020702.5(MYORG):c.1904G>C (p.Arg635Pro)

Gene: MYORG (myogenesis regulating glycosidase; minus strand). Cytogenetic location: 9p13.3.
Variant type: single nucleotide variant.
Coding change: c.1904G>C on transcript NM_020702.5 (MANE Select); coding-DNA position 1904, G replaced by C.
Protein change: p.Arg635Pro; replaces arginine 635 with proline.
Molecular consequence: missense variant.
Genome position (GRCh38, 1-based): chr9:34,371,040, C>G on the plus strand (G>C on the coding strand, the complement: MYORG is on the minus strand). VCF-style: chr9-34371040-C-G. GRCh37 (hg19) VCF-style: chr9-34371038-C-G.
Other names: short protein forms R635P.
Identifiers: ClinVar variation 3366228 (VCV003366228.1).

ClinVar aggregate classification (germline): Uncertain significance (1 of 4 stars; one submission).

gnomAD v4.1: 4 of 1,612,974 alleles (0.00025%); highest among the groups gnomAD compares: South Asian, 0.0022%; no homozygotes.

Submission:

GeneDx
Classification: Uncertain significance. Last evaluated: 2023-10-17. Review status: criteria provided, single submitter. Criteria: GeneDx Variant Classification Process June 2021. Collection method: clinical testing. Allele origin: germline. Affected: yes.
Comment: In silico analysis supports that this missense variant has a deleterious effect on protein structure/function; Has not been previously published as pathogenic or benign to our knowledge